The following is an entry in ClinVar:

NC_000016.10:g.(?_23603458)_(23614091_?)del

Gene: PALB2 (partner and localizer of BRCA2; minus strand). Cytogenetic location: 16p12.2.
Variant type: Deletion.
Other names: c.3114-?_(*1_?)del (LRG_308t1).
Identifiers: ClinVar variation 219816 (VCV000219816.2).

ClinVar aggregate classification (germline): Pathogenic (1 of 4 stars; one submission).

Conditions:
Familial cancer of breast. Also called: hereditary breast carcinoma; Hereditary breast cancer; BREAST CANCER, FAMILIAL. Identifiers: Orphanet 227535, MedGen C0346153, MONDO:0016419, OMIM 114480. Disease mechanism: loss of function.

Submission:

Labcorp Genetics (formerly Invitae), Labcorp
Classification: Pathogenic for Familial cancer of breast. Last evaluated: 2015-08-11. Review status: criteria provided, single submitter. Criteria: Invitae Variant Classification Sherloc (09022015). Collection method: clinical testing. Allele origin: germline.
Comment: This sequence change is a gross deletion of the genomic region encompassing exons 11-13 of the PALB2 gene. This deletion extends to both edges of the assayed region, and the 5' and 3' boundaries of this event are not known. While this particular variant has not been reported in the literature, truncating variants in PALB2 are known to be pathogenic (PMID: 25099575, 17200668). For these reasons, this variant has been classified as Pathogenic.